The following is an entry in ClinVar:

ClinVar aggregate classification (germline): Pathogenic/Likely pathogenic. Review status: criteria provided, multiple submitters, no conflicts (2 of 4 stars). 3 submissions from 3 submitters: Pathogenic (1); Likely pathogenic (2). Last evaluated 2022-10-28.
ClinVar aggregate classification (somatic clinical impact): Tier II - Potential (1 of 4 stars; one submission).

Conditions:
Hereditary breast ovarian cancer syndrome. Also called: Hereditary breast and ovarian cancer syndrome (HBOC); BRCA1- and BRCA2-Associated Hereditary Breast and Ovarian Cancer; Hereditary breast and ovarian cancer; Hereditary breast and ovarian cancer syndrome; Hereditary breast and/or ovarian cancer syndrome; Breast and ovarian cancer. Identifiers: Orphanet 145, MedGen C0677776, MeSH D061325, MONDO:0003582. Disease mechanism: loss of function.
Fanconi anemia complementation group O. Also called: RAD51C-Related Fanconi Anemia. Identifiers: Orphanet 84, MedGen C3150653, MONDO:0013248, OMIM 613390.
Breast-ovarian cancer, familial, susceptibility to, 3. Also called: RAD51C-Related Breast/Ovarian Cancer. Identifiers: Orphanet 145, MedGen C3150659, MONDO:0013253, OMIM 613399.
Diffuse midline glioma, H3 K27M-mutant. Identifiers: MedGen C4289688, MONDO:0957196.

Submissions (4):

Institute for Genomic Medicine (IGM) Clinical Laboratory, Nationwide Children's Hospital
Classification: Tier II - Potential for Diffuse midline glioma, H3 K27M-mutant. Assertion type: diagnostic. Clinical significance: supports diagnosis. Last evaluated: 2023-01-05. Review status: criteria provided, single submitter. Criteria: AMP/ASCO/CAP Guidelines, 2017. Collection method: clinical testing. Allele origin: somatic. Affected: yes.
Comment: Variant has Tier II (potential) clinical significance as a diagnostic inclusion criterion in diffuse midline glioma, H3 K27M-mutant, based on the following evidence: 1) Information in the literature supports potential biologic effect of variant. 2) Assists in diagnosis alone or along with other biomarkers based on small studies or few case reports (Evidence Level D; PMID: 28966033).

Labcorp Genetics (formerly Invitae), Labcorp
Classification: Pathogenic for Fanconi anemia complementation group O. Last evaluated: 2022-10-28. Review status: criteria provided, single submitter. Criteria: Invitae Variant Classification Sherloc (09022015). Collection method: clinical testing. Allele origin: germline.
Comment: For these reasons, this variant has been classified as Pathogenic. This variant disrupts a region of the RAD51C protein in which other variant(s) (p.Arg258His) have been determined to be pathogenic (PMID: 20400963, 22167183, 26354865). This suggests that this is a clinically significant region of the protein, and that variants that disrupt it are likely to be disease-causing. Studies have shown that disruption of this splice site results in skipping of exon 5, but is expected to preserve the integrity of the reading-frame (PMID: 22006311, 24139550; Invitae). ClinVar contains an entry for this variant (Variation ID: 1098907). Disruption of this splice site has been observed in individual(s) with breast cancer and ovarian cancer (PMID: 29522266, 32107557). This variant is not present in population databases (gnomAD no frequency). This sequence change affects an acceptor splice site in intron 4 of the RAD51C gene. RNA analysis indicates that disruption of this splice site induces altered splicing and likely results in a shortened protein product.

Women's Health and Genetics/Laboratory Corporation of America, LabCorp
Classification: Likely pathogenic for Hereditary breast ovarian cancer syndrome. Last evaluated: 2022-09-02. Review status: criteria provided, single submitter. Criteria: LabCorp Variant Classification Summary - May 2015. Collection method: clinical testing. Allele origin: germline.
Comment: Variant summary: RAD51C c.706-1G>A is located in a canonical splice-site and is predicted to affect mRNA splicing resulting in a significantly altered protein due to either exon skipping, shortening, or inclusion of intronic material. Several computational tools predict a significant impact on normal splicing: Four predict the variant abolishes a canonical 3' acceptor site and creates a cryptic 3' acceptor site. However, these predictions have yet to be confirmed by functional studies. The variant was absent in 251368 control chromosomes. c.706-1G>A has been reported in the literature in individuals and families affected with Hereditary Breast And Ovarian Cancer Syndrome and colorectal cancer (Henn_2019, Yang_2020). Two clinical diagnostic laboratories have submitted clinical-significance assessments for this variant to ClinVar after 2014 without evidence for independent evaluation. Both classified the variant as likely pathogenic. Based on the evidence outlined above, the variant was classified as likely pathogenic.

Hereditary Cancer Group, L’Institut d'Investigació Biomèdica de Bellvitge
Classification: Likely pathogenic for Breast-ovarian cancer, familial, susceptibility to, 3. Last evaluated: 2021-05-10. Review status: criteria provided, single submitter. Criteria: ACMG Guidelines, 2015. Collection method: curation. Allele origin: germline.

Literature cited by the submitters: PubMed 28966033 (cited by Institute for Genomic Medicine (IGM) Clinical Laboratory, Nationwide Children's Hospital); PubMed 20400963 (cited by Labcorp Genetics (formerly Invitae), Labcorp); PubMed 22167183 (cited by Labcorp Genetics (formerly Invitae), Labcorp); PubMed 26354865 (cited by Labcorp Genetics (formerly Invitae), Labcorp); PubMed 22006311 (cited by Labcorp Genetics (formerly Invitae), Labcorp); PubMed 24139550 (cited by Labcorp Genetics (formerly Invitae), Labcorp); PubMed 29522266 (cited by Labcorp Genetics (formerly Invitae), Labcorp and Hereditary Cancer Group, L’Institut d'Investigació Biomèdica de Bellvitge); PubMed 32107557 (cited by Labcorp Genetics (formerly Invitae), Labcorp and Women's Health and Genetics/Laboratory Corporation of America, LabCorp); PubMed 30680046 (cited by Women's Health and Genetics/Laboratory Corporation of America, LabCorp).

NM_058216.3(RAD51C):c.706-1G>A

Gene: RAD51C (RAD51 paralog C; plus strand). Cytogenetic location: 17q22.
Variant type: single nucleotide variant.
Coding change: c.706-1G>A on transcript NM_058216.3 (MANE Select); the canonical splice acceptor site of the intron before coding-DNA position 706, G replaced by A.
Molecular consequence: splice acceptor variant.
Genome position (GRCh38, 1-based): chr17:58,709,858, G>A. VCF-style: chr17-58709858-G-A. GRCh37 (hg19) VCF-style: chr17-56787219-G-A.
Other names: c.706-1G>A (NM_058216.2).
Identifiers: ClinVar variation 1098907 (VCV001098907.11), dbSNP rs1555599090, ClinGen allele CA400353034.